The following is an entry in ClinVar:

NM_020975.6(RET):c.1760-12G>A

Gene: RET (ret proto-oncogene; plus strand). Cytogenetic location: 10q11.21.
Variant type: single nucleotide variant.
Coding change: c.1760-12G>A on transcript NM_020975.6 (MANE Select); 12 bases into the intron before coding-DNA position 1760, G replaced by A.
Molecular consequence: intron variant.
Genome position (GRCh38, 1-based): chr10:43,113,544, G>A. VCF-style: chr10-43113544-G-A. GRCh37 (hg19) VCF-style: chr10-43608992-G-A.
Other names: c.1760-12G>A (NM_020630.7, NM_001406743.1, NM_001406744.1 and 4 more transcripts); c.1364-12G>A (NM_001406772.1, NM_001406769.1); c.1322-12G>A (NM_001406773.1, NM_001406771.1); c.863-12G>A (NM_001406782.1, NM_001406780.1, NM_001406779.1 and 2 more transcripts); c.862+581G>A (NM_001406785.1); c.1631-12G>A (NM_001406764.1, NM_001406762.1, NM_001406761.1 and 1 more transcripts); c.1235-12G>A (NM_001406774.1); c.734-12G>A (NM_001406786.1, NM_001406783.1); and 7 more.
Identifiers: ClinVar variation 24889 (VCV000024889.19), dbSNP rs377767392, ClinGen allele CA007734.

ClinVar aggregate classification (germline): Benign/Likely benign. Review status: criteria provided, multiple submitters, no conflicts (2 of 4 stars). 7 submissions from 7 submitters: Benign (1); Likely benign (5). 1 of the submissions does not count toward it. Last evaluated 2026-03-04.

Conditions:
Hereditary cancer-predisposing syndrome. Also called: Neoplastic Syndromes, Hereditary; Hereditary neoplastic syndrome; Tumor predisposition; Hereditary Cancer Syndrome. Identifiers: Orphanet 140162, MedGen C0027672, MeSH D009386, MONDO:0015356.
Multiple endocrine neoplasia, type 2 (MEN2). Identifiers: Orphanet 653, MedGen C4048306, MONDO:0019003. Disease mechanism: gain of function.
Multiple endocrine neoplasia type 2A. Also called: Multiple Endocrine Neoplasia Type 2A (MEN2A); MULTIPLE ENDOCRINE NEOPLASIA, TYPE IIA; PTC SYNDROME; SIPPLE SYNDROME; MEN 2A; MEN-2A syndrome. Identifiers: Orphanet 247698, Orphanet 653, MedGen C0025268, MeSH D018813, MONDO:0008234, OMIM 171400.

Allele frequency attached by ClinVar (database versions not stated): gnomAD 0.00003; TOPMed 0.00003; gnomAD exomes 0.00004 and 0.00008; ExAC 0.00008.
gnomAD v4.1: 65 of 1,601,640 alleles (0.0041%); highest among the groups gnomAD compares: Admixed American, 0.029%; no homozygotes.

Submissions (7):

Ambry Genetics
Classification: Benign for Hereditary cancer-predisposing syndrome. Last evaluated: 2026-03-04. Review status: criteria provided, single submitter. Criteria: Ambry Variant Classification Scheme 2023. Collection method: clinical testing. Allele origin: germline.

Labcorp Genetics (formerly Invitae), Labcorp
Classification: Likely benign for Multiple endocrine neoplasia, type 2. Last evaluated: 2026-02-02. Review status: criteria provided, single submitter. Criteria: Invitae Variant Classification Sherloc (09022015). Collection method: clinical testing. Allele origin: germline.

Myriad Genetics, Inc.
Classification: Likely benign for Multiple endocrine neoplasia type 2A. Last evaluated: 2023-04-18. Review status: criteria provided, single submitter. Criteria: Myriad Autosomal Dominant, Autosomal Recessive and X-Linked Classification Criteria (2023). Collection method: clinical testing. Allele origin: unknown.
Comment: This variant is considered likely benign. This variant is intronic and is not expected to impact mRNA splicing.

Color Diagnostics, LLC DBA Color Health
Classification: Likely benign for Multiple endocrine neoplasia, type 2. Last evaluated: 2023-04-04. Review status: criteria provided, single submitter. Criteria: ACMG Guidelines, 2015. Collection method: clinical testing. Allele origin: germline.

Blueprint Genetics
Classification: Likely benign. Last evaluated: 2022-11-11. Review status: criteria provided, single submitter. Criteria: ACMG Guidelines, 2015. Collection method: clinical testing. Allele origin: germline.

PreventionGenetics, part of Exact Sciences
Classification: Likely benign. Last evaluated: 2018-01-04. Review status: criteria provided, single submitter. Criteria: ACMG Guidelines, 2015. Collection method: clinical testing. Allele origin: germline.

Counsyl
Classification: Likely benign for Multiple endocrine neoplasia type 2A. Last evaluated: 2018-03-26. Review status: no assertion criteria provided. Collection method: clinical testing. Allele origin: unknown. Not counted in ClinVar's aggregate classification.

Literature cited by the submitters: PubMed 15858153 (cited by Counsyl).